The following is an entry in ClinVar:

NM_014975.3(MAST1):c.3687G>A (p.Ser1229=)

Gene: MAST1 (microtubule associated serine/threonine kinase 1; plus strand). Cytogenetic location: 19p13.13.
Variant type: single nucleotide variant.
Coding change: c.3687G>A on transcript NM_014975.3 (MANE Select); coding-DNA position 3687, G replaced by A.
Protein change: p.Ser1229=; no amino-acid change (serine 1229 retained).
Molecular consequence: synonymous variant.
Genome position (GRCh38, 1-based): chr19:12,873,844, G>A. VCF-style: chr19-12873844-G-A. GRCh37 (hg19) VCF-style: chr19-12984658-G-A.
Identifiers: ClinVar variation 4994805 (VCV004994805.1).
Genomic context (GRCh38, chr19:12,873,844, plus strand): 5'-CACGCCGTCCCCCACGCAGGCGTCACCGCCGCCACTGCCGGGCCACACGGTGGGCAGCTC[G>A]CACACTACTCAGAGCTTCCCGGCCAAACTGCACTCATCGCCTCCCGTCGTGCGCCCGCGC-3'
Protein context (NP_055790.1, residues 1219-1239): PPLPGHTVGS[Ser1229=]HTTQSFPAKL

ClinVar aggregate classification (germline): Likely benign (1 of 4 stars; one submission).

Conditions:
MAST1-related disorder. Also called: MAST1-related condition.

gnomAD v4.1: 4 of 1,588,154 alleles (0.00025%); highest among the groups gnomAD compares: East Asian, 0.009%; no homozygotes.

Submission:

PreventionGenetics, part of Exact Sciences
Classification: Likely benign for MAST1-related condition. Last evaluated: 2025-11-02. Review status: criteria provided, single submitter. Criteria: ACMG Guidelines, 2015. Collection method: clinical testing. Allele origin: germline.
Comment: This variant is classified as likely benign based on ACMG/AMP sequence variant interpretation guidelines (Richards et al. 2015 PMID: 25741868, with internal and published modifications).